The following is an entry in ClinVar:

ClinVar aggregate classification (germline): Uncertain significance (1 of 4 stars; one submission).

gnomAD v4.1: 9 of 1,608,050 alleles (0.00056%); highest among the groups gnomAD compares: Non-Finnish European, 0.00077%; no homozygotes.

Submission:

GeneDx
Classification: Uncertain significance. Last evaluated: 2025-04-22. Review status: criteria provided, single submitter. Criteria: GeneDx Variant Classification Process June 2021. Collection method: clinical testing. Allele origin: germline. Affected: yes.
Comment: Not observed at significant frequency in large population cohorts (gnomAD); In silico analysis indicates that this missense variant does not alter protein structure/function; Has not been previously published as pathogenic or benign to our knowledge

NM_000092.5(COL4A4):c.3812C>A (p.Pro1271Gln)

Gene: COL4A4 (collagen type IV alpha 4 chain; minus strand). Cytogenetic location: 2q36.3.
Variant type: single nucleotide variant.
Coding change: c.3812C>A on transcript NM_000092.5 (MANE Select); coding-DNA position 3812, C replaced by A.
Protein change: p.Pro1271Gln; replaces proline 1271 with glutamine.
Molecular consequence: missense variant.
Genome position (GRCh38, 1-based): chr2:227,031,950, G>T on the plus strand (C>A on the coding strand, the complement: COL4A4 is on the minus strand). VCF-style: chr2-227031950-G-T. GRCh37 (hg19) VCF-style: chr2-227896666-G-T.
Other names: short protein forms P1271Q.
Identifiers: ClinVar variation 4527275 (VCV004527275.1).